The following is an entry in ClinVar:

NM_004408.4(DNM1):c.1939T>C (p.Phe647Leu)

Gene: DNM1 (dynamin 1; plus strand). Cytogenetic location: 9q34.11.
Variant type: single nucleotide variant.
Coding change: c.1939T>C on transcript NM_004408.4 (MANE Select); coding-DNA position 1939, T replaced by C.
Protein change: p.Phe647Leu; replaces phenylalanine 647 with leucine.
Molecular consequence: missense variant.
Genome position (GRCh38, 1-based): chr9:128,248,616, T>C. VCF-style: chr9-128248616-T-C. GRCh37 (hg19) VCF-style: chr9-131010895-T-C.
Other names: c.1939T>C, p.Phe647Leu (NM_001005336.3, NM_001288737.2, NM_001288738.2 and 2 more transcripts); short protein forms F647L.
Identifiers: ClinVar variation 1957355 (VCV001957355.5), dbSNP rs778368437, ClinGen allele CA5258404.
Genomic context (GRCh38, chr9:128,248,616, plus strand): 5'-CTGATGCCCTTGTGTTCTCCATGGCAGGCCAGCGAGACCGAGGAGAATGGCTCCGACAGC[T>C]TCATGCATTCCATGGACCCACAGCTGGAACGGCAAGTGGAGACCATCCGGAATCTTGTGG-3'
Protein context (NP_004399.2, residues 637-657): SETEENGSDS[Phe647Leu]MHSMDPQLER

ClinVar aggregate classification (germline): Uncertain significance (1 of 4 stars; one submission).

Conditions:
Developmental and epileptic encephalopathy, 31A. Also called: Epileptic encephalopathy, early infantile, 31; Developmental and epileptic encephalopathy, 31. Identifiers: Orphanet 2382, MedGen C4225357, MONDO:0014598, OMIM 616346.

Allele frequency attached by ClinVar (database versions not stated): gnomAD exomes below 0.00001; ExAC 0.00001.
gnomAD v4.1: 5 of 1,614,016 alleles (0.00031%); highest among the groups gnomAD compares: Non-Finnish European, 0.00042%; no homozygotes.

Submission:

Labcorp Genetics (formerly Invitae), Labcorp
Classification: Uncertain significance for Developmental and epileptic encephalopathy, 31A. Last evaluated: 2021-12-20. Review status: criteria provided, single submitter. Criteria: Invitae Variant Classification Sherloc (09022015). Collection method: clinical testing. Allele origin: germline.
Comment: This sequence change replaces phenylalanine, which is neutral and non-polar, with leucine, which is neutral and non-polar, at codon 647 of the DNM1 protein (p.Phe647Leu). This variant is present in population databases (rs778368437, gnomAD 0.0009%). This variant has not been reported in the literature in individuals affected with DNM1-related conditions. Advanced modeling of protein sequence and biophysical properties (such as structural, functional, and spatial information, amino acid conservation, physicochemical variation, residue mobility, and thermodynamic stability) performed at Invitae indicates that this missense variant is not expected to disrupt DNM1 protein function. In summary, the available evidence is currently insufficient to determine the role of this variant in disease. Therefore, it has been classified as a Variant of Uncertain Significance.